The following is an entry in ClinVar:

NM_012188.5(FOXI1):c.331C>T (p.Pro111Ser)

Gene: FOXI1 (forkhead box I1; plus strand). Cytogenetic location: 5q35.1.
Variant type: single nucleotide variant.
Coding change: c.331C>T on transcript NM_012188.5 (MANE Select); coding-DNA position 331, C replaced by T.
Protein change: p.Pro111Ser; replaces proline 111 with serine.
Molecular consequence: missense variant.
Genome position (GRCh38, 1-based): chr5:170,106,288, C>T. VCF-style: chr5-170106288-C-T. GRCh37 (hg19) VCF-style: chr5-169533292-C-T.
Other names: c.331C>T, p.Pro111Ser (NM_144769.4); short protein forms P111S.
Identifiers: ClinVar variation 1495817 (VCV001495817.6), dbSNP rs866775728, ClinGen allele CA132049186.

ClinVar aggregate classification (germline): Uncertain significance (1 of 4 stars; one submission).

Allele frequency attached by ClinVar (database versions not stated): gnomAD exomes below 0.00001; TOPMed 0.00001.

Submission:

Labcorp Genetics (formerly Invitae), Labcorp
Classification: Uncertain significance. Last evaluated: 2022-10-25. Review status: criteria provided, single submitter. Criteria: Invitae Variant Classification Sherloc (09022015). Collection method: clinical testing. Allele origin: germline.
Comment: This sequence change replaces proline, which is neutral and non-polar, with serine, which is neutral and polar, at codon 111 of the FOXI1 protein (p.Pro111Ser). This variant is not present in population databases (gnomAD no frequency). This variant has not been reported in the literature in individuals affected with FOXI1-related conditions. ClinVar contains an entry for this variant (Variation ID: 1495817). Advanced modeling of protein sequence and biophysical properties (such as structural, functional, and spatial information, amino acid conservation, physicochemical variation, residue mobility, and thermodynamic stability) performed at Invitae indicates that this missense variant is not expected to disrupt FOXI1 protein function. In summary, the available evidence is currently insufficient to determine the role of this variant in disease. Therefore, it has been classified as a Variant of Uncertain Significance.